The following is an entry in ClinVar:

NM_001127222.2(CACNA1A):c.3484A>G (p.Lys1162Glu)

Gene: CACNA1A (calcium voltage-gated channel subunit alpha1 A; minus strand). Cytogenetic location: 19p13.13.
Variant type: single nucleotide variant.
Coding change: c.3484A>G on transcript NM_001127222.2 (MANE Select); coding-DNA position 3484, A replaced by G.
Protein change: p.Lys1162Glu; replaces lysine 1162 with glutamic acid.
Molecular consequence: missense variant.
Genome position (GRCh38, 1-based): chr19:13,286,572, T>C on the plus strand (A>G on the coding strand, the complement: CACNA1A is on the minus strand). VCF-style: chr19-13286572-T-C. GRCh37 (hg19) VCF-style: chr19-13397386-T-C.
Other names: c.3496A>G, p.Lys1166Glu (NM_000068.4, NM_023035.3); c.3487A>G, p.Lys1163Glu (NM_001127221.2, NM_001174080.2); short protein forms K1162E, K1163E, K1166E.
Identifiers: ClinVar variation 4532594 (VCV004532594.1).
Genomic context (GRCh38, chr19:13,286,572, plus strand): 5'-CGGTGTGGTTGAGGGGGGGTGGGCAGGCTGGGGGGATGTCCACTGTGGTGTGGTCGGGTT[T>C]CCTGGCAGTCTTAGCTGAATTGGTCTGGGTGCCGCTGGGGTTGGTGACGATAAGGCTATT-3'
Protein context (NP_001120694.1, residues 1152-1172): TQTNSAKTAR[Lys1162Glu]PDHTTVDIPP

ClinVar aggregate classification (germline): Uncertain significance (1 of 4 stars; one submission).

Submission:

GeneDx
Classification: Uncertain significance. Last evaluated: 2025-05-27. Review status: criteria provided, single submitter. Criteria: GeneDx Variant Classification Process June 2021. Collection method: clinical testing. Allele origin: germline. Affected: yes.
Comment: Not observed at significant frequency in large population cohorts (gnomAD); In silico analysis suggests that this missense variant does not alter protein structure/function; Has not been previously published as pathogenic or benign to our knowledge